The following is an entry in ClinVar:

NM_024580.6(EFL1):c.3332A>G (p.Glu1111Gly)

Gene: EFL1 (elongation factor like GTPase 1; minus strand). Cytogenetic location: 15q25.2.
Variant type: single nucleotide variant.
Coding change: c.3332A>G on transcript NM_024580.6 (MANE Select); coding-DNA position 3332, A replaced by G.
Protein change: p.Glu1111Gly; replaces glutamic acid 1111 with glycine.
Molecular consequence: missense variant. On other transcripts: non-coding transcript variant (1).
Genome position (GRCh38, 1-based): chr15:82,130,404, T>C on the plus strand (A>G on the coding strand, the complement: EFL1 is on the minus strand). VCF-style: chr15-82130404-T-C. GRCh37 (hg19) VCF-style: chr15-82422745-T-C.
Other names: c.3179A>G, p.Glu1060Gly (NM_001040610.3); c.2543A>G, p.Glu848Gly (NM_001322844.2); c.3332A>G, p.Glu1111Gly (NM_001322845.2); short protein forms E1060G, E1111G, E848G.
Identifiers: ClinVar variation 1372304 (VCV001372304.4), dbSNP rs763624236, ClinGen allele CA7697588.

ClinVar aggregate classification (germline): Uncertain significance. Review status: criteria provided, multiple submitters, no conflicts (2 of 4 stars). 2 submissions from 2 submitters: Uncertain significance (2). Last evaluated 2021-11-14.

Allele frequency attached by ClinVar (database versions not stated): gnomAD exomes 0.00003 and 0.00007; TOPMed 0.00003; ExAC 0.00005; gnomAD 0.00006.
gnomAD v4.1: 118 of 1,614,068 alleles (0.0073%); highest among the groups gnomAD compares: Non-Finnish European, 0.0092%; no homozygotes.

Submissions (2):

Labcorp Genetics (formerly Invitae), Labcorp
Classification: Uncertain significance. Last evaluated: 2021-11-14. Review status: criteria provided, single submitter. Criteria: Invitae Variant Classification Sherloc (09022015). Collection method: clinical testing. Allele origin: germline.
Comment: This sequence change replaces glutamic acid, which is acidic and polar, with glycine, which is neutral and non-polar, at codon 1111 of the EFL1 protein (p.Glu1111Gly). This variant is present in population databases (rs763624236, gnomAD 0.006%). This variant has not been reported in the literature in individuals affected with EFL1-related conditions. Algorithms developed to predict the effect of missense changes on protein structure and function are either unavailable or do not agree on the potential impact of this missense change (SIFT: "Deleterious"; PolyPhen-2: "Not Available"; Align-GVGD: "Class C65"). In summary, the available evidence is currently insufficient to determine the role of this variant in disease. Therefore, it has been classified as a Variant of Uncertain Significance.

Blueprint Genetics
Classification: Uncertain significance. Last evaluated: 2019-05-15. Review status: criteria provided, single submitter. Criteria: ACMG Guidelines, 2015. Collection method: clinical testing. Allele origin: germline.